The following is an entry in ClinVar:

NM_001267550.2(TTN):c.96988del (p.Ile32330fs)

Genes: TTN (titin; minus strand), TTN-AS1 (TTN antisense RNA 1; plus strand). Cytogenetic location: 2q31.2.
Variant type: Deletion.
Coding change: c.96988del on transcript NM_001267550.2 (MANE Select); coding-DNA position 96988, one base deleted (A; older notation c.96988delA).
Protein change: p.Ile32330fs; shifts the reading frame from isoleucine 32330.
Molecular consequence: frameshift variant.
Genome position (GRCh38, 1-based): chr2:178,542,866, T deleted on the plus strand (A on the coding strand, the reverse complement: TTN is on the minus strand). VCF-style (leftmost placement, unchanged base first): chr2-178542865-AT-A. GRCh37 (hg19) VCF-style: chr2-179407592-AT-A.
Other names: c.92065del, p.Ile30689fs (NM_001256850.1); c.69793del, p.Ile23265fs (NM_003319.4); c.89284del, p.Ile29762fs (NM_133378.4); c.70168del, p.Ile23390fs (NM_133432.3); c.70369del, p.Ile23457fs (NM_133437.4); short protein forms I23265fs, I23390fs, I23457fs, I29762fs, I30689fs, I32330fs.
Identifiers: ClinVar variation 3756660 (VCV003756660.2).

ClinVar aggregate classification (germline): Likely pathogenic (1 of 4 stars; one submission).

Conditions:
Dilated cardiomyopathy 1G (CMD1G). Identifiers: Orphanet 154, MedGen C1858763, MONDO:0011400, OMIM 604145.
Autosomal recessive limb-girdle muscular dystrophy type 2J (LGMDR10). Also called: Limb-girdle muscular dystrophy, type 2J; MUSCULAR DYSTROPHY, LIMB-GIRDLE, AUTOSOMAL RECESSIVE 10. Identifiers: Orphanet 140922, MedGen C1837342, MONDO:0012127, OMIM 608807.

Submission:

Labcorp Genetics (formerly Invitae), Labcorp
Classification: Likely pathogenic for Dilated cardiomyopathy 1G; Autosomal recessive limb-girdle muscular dystrophy type 2J. Last evaluated: 2024-06-04. Review status: criteria provided, single submitter. Criteria: Invitae Variant Classification Sherloc (09022015). Collection method: clinical testing. Allele origin: germline.
Comment: This sequence change creates a premature translational stop signal (p.Ile32330Leufs*18) in the TTN gene. While this is not anticipated to result in nonsense mediated decay, it is expected to create a truncated TTN protein. This variant is not present in population databases (gnomAD no frequency). This variant has not been reported in the literature in individuals affected with TTN-related conditions. This variant is located in the A band of TTN (PMID: 25589632). Truncating variants in this region are significantly overrepresented in patients affected with dilated cardiomyopathy (PMID: 25589632). Truncating variants in this region have also been reported in individuals affected with autosomal recessive centronuclear myopathy (PMID: 23975875). In summary, the currently available evidence indicates that the variant is pathogenic, but additional data are needed to prove that conclusively. Therefore, this variant has been classified as Likely Pathogenic.

Literature cited by the submitters: PubMed 25589632; PubMed 23975875.